The following is an entry in ClinVar:

NM_002579.3(PALM):c.557G>A (p.Arg186Lys)

Gene: PALM (paralemmin; plus strand). Cytogenetic location: 19p13.3.
Variant type: single nucleotide variant.
Coding change: c.557G>A on transcript NM_002579.3 (MANE Select); coding-DNA position 557, G replaced by A.
Protein change: p.Arg186Lys; replaces arginine 186 with lysine.
Molecular consequence: missense variant. On other transcripts: intron variant (1).
Genome position (GRCh38, 1-based): chr19:740,406, G>A. VCF-style: chr19-740406-G-A. GRCh37 (hg19) VCF-style: chr19-740406-G-A.
Other names: c.502+4328G>A (NM_001040134.2); short protein forms R186K.
Identifiers: ClinVar variation 1965627 (VCV001965627.5), dbSNP rs2033153957, ClinGen allele CA402886838.

ClinVar aggregate classification (germline): Uncertain significance (1 of 4 stars; one submission).

Allele frequency attached by ClinVar (database versions not stated): TOPMed below 0.00001; gnomAD 0.00001; gnomAD exomes 0.00001.

Submission:

Labcorp Genetics (formerly Invitae), Labcorp
Classification: Uncertain significance. Last evaluated: 2022-04-04. Review status: criteria provided, single submitter. Criteria: Invitae Variant Classification Sherloc (09022015). Collection method: clinical testing. Allele origin: germline.
Comment: Algorithms developed to predict the effect of missense changes on protein structure and function output the following: SIFT: "Tolerated"; PolyPhen-2: "Benign"; Align-GVGD: "Class C0". The lysine amino acid residue is found in multiple mammalian species, which suggests that this missense change does not adversely affect protein function. This variant has not been reported in the literature in individuals affected with PALM-related conditions. This variant is not present in population databases (gnomAD no frequency). This sequence change replaces arginine, which is basic and polar, with lysine, which is basic and polar, at codon 186 of the PALM protein (p.Arg186Lys). In summary, the available evidence is currently insufficient to determine the role of this variant in disease. Therefore, it has been classified as a Variant of Uncertain Significance.